The following is an entry in ClinVar:

NM_002693.3(POLG):c.3671T>A (p.Ile1224Asn)

Genes: FANCI (FA complementation group I; plus strand), POLG (DNA polymerase gamma, catalytic subunit; minus strand). Cytogenetic location: 15q26.1.
Variant type: single nucleotide variant.
Coding change: c.3671T>A on transcript NM_002693.3 (MANE Select); coding-DNA position 3671, T replaced by A.
Protein change: p.Ile1224Asn; replaces isoleucine 1224 with asparagine.
Molecular consequence: missense variant. On other transcripts: 3 prime UTR variant (4).
Genome position (GRCh38, 1-based): chr15:89,316,800, A>T on the plus strand (T>A on the coding strand, the complement: POLG is on the minus strand). VCF-style: chr15-89316800-A-T. GRCh37 (hg19) VCF-style: chr15-89860031-A-T.
Other names: c.3671T>A, p.Ile1224Asn (NM_001126131.2); c.*341A>T (NM_001113378.2, NM_001376910.1, NM_001376911.1 and 1 more transcripts); short protein forms I1224N.
Identifiers: ClinVar variation 2837325 (VCV002837325.3), dbSNP rs779072487, ClinGen allele CA393746958.

ClinVar aggregate classification (germline): Uncertain significance (1 of 4 stars; one submission).

Conditions:
Progressive sclerosing poliodystrophy (MTDPS4A). Also called: Mitochondrial DNA depletion syndrome 4A (Alpers type); ALPERS PROGRESSIVE INFANTILE POLIODYSTROPHY; NEURONAL DEGENERATION OF CHILDHOOD WITH LIVER DISEASE, PROGRESSIVE; Alpers Syndrome; ALPERS DIFFUSE DEGENERATION OF CEREBRAL GRAY MATTER WITH HEPATIC CIRRHOSIS; Alpers-Huttenlocher Syndrome. Identifiers: Orphanet 726, MedGen C0205710, MONDO:0008758, OMIM 203700.

Submission:

Labcorp Genetics (formerly Invitae), Labcorp
Classification: Uncertain significance for Progressive sclerosing poliodystrophy. Last evaluated: 2024-01-11. Review status: criteria provided, single submitter. Criteria: Invitae Variant Classification Sherloc (09022015). Collection method: clinical testing. Allele origin: germline.
Comment: This sequence change replaces isoleucine, which is neutral and non-polar, with asparagine, which is neutral and polar, at codon 1224 of the POLG protein (p.Ile1224Asn). This variant is not present in population databases (gnomAD no frequency). This variant has not been reported in the literature in individuals affected with POLG-related conditions. Advanced modeling of protein sequence and biophysical properties (such as structural, functional, and spatial information, amino acid conservation, physicochemical variation, residue mobility, and thermodynamic stability) performed at Invitae indicates that this missense variant is expected to disrupt POLG protein function with a positive predictive value of 95%. In summary, the available evidence is currently insufficient to determine the role of this variant in disease. Therefore, it has been classified as a Variant of Uncertain Significance.